The following is an entry in ClinVar:

ClinVar aggregate classification (germline): Uncertain significance (1 of 4 stars; one submission).

Conditions:
Inborn genetic diseases. Identifiers: MedGen C0950123, MeSH D030342.

Submission:

Ambry Genetics
Classification: Uncertain significance for Inborn genetic diseases. Last evaluated: 2025-02-06. Review status: criteria provided, single submitter. Criteria: Ambry Variant Classification Scheme 2023. Collection method: clinical testing. Allele origin: germline.
Comment: The p.G88D variant (also known as c.263G>A), located in coding exon 2 of the G6PC3 gene, results from a G to A substitution at nucleotide position 263. The glycine at codon 88 is replaced by aspartic acid, an amino acid with similar properties. This amino acid position is conserved. In addition, this alteration is predicted to be tolerated by in silico analysis. Based on the available evidence, the clinical significance of this variant remains unclear.

NM_138387.4(G6PC3):c.263G>A (p.Gly88Asp)

Gene: G6PC3 (glucose-6-phosphatase catalytic subunit 3; plus strand). Cytogenetic location: 17q21.31.
Variant type: single nucleotide variant.
Coding change: c.263G>A on transcript NM_138387.4 (MANE Select); coding-DNA position 263, G replaced by A.
Protein change: p.Gly88Asp; replaces glycine 88 with aspartic acid.
Molecular consequence: missense variant. On other transcripts: 5 prime UTR variant (4).
Genome position (GRCh38, 1-based): chr17:44,074,204, G>A. VCF-style: chr17-44074204-G-A. GRCh37 (hg19) VCF-style: chr17-42151572-G-A.
Other names: c.263G>A, p.Gly88Asp (NM_001319945.2); c.-83G>A (NM_001384165.1, NM_001384166.1, NM_001384167.1 and 1 more transcripts); short protein forms G88D.
Identifiers: ClinVar variation 3852362 (VCV003852362.1).